The following is an entry in ClinVar:

NM_001034853.2(RPGR):c.980T>G (p.Leu327Ter)

Gene: RPGR (retinitis pigmentosa GTPase regulator; minus strand). Cytogenetic location: Xp11.4.
Variant type: single nucleotide variant.
Coding change: c.980T>G on transcript NM_001034853.2 (MANE Select); coding-DNA position 980, T replaced by G.
Protein change: p.Leu327Ter; replaces leucine 327 with a stop codon.
Molecular consequence: nonsense. On other transcripts: non-coding transcript variant (6).
Genome position (GRCh38, 1-based): chrX:38,301,326, A>C on the plus strand (T>G on the coding strand, the complement: RPGR is on the minus strand). VCF-style: chrX-38301326-A-C. GRCh37 (hg19) VCF-style: chrX-38160579-A-C.
Other names: NM_001034853.2(RPGR):c.980T>G; p.Leu327Ter; c.980T>G, p.Leu327Ter (NM_000328.3, NM_001367246.1, NM_001367247.1 and 1 more transcripts); c.977T>G, p.Leu326Ter (NM_001367245.1, NM_001367249.1, NM_001367250.1); c.1010T>G, p.Leu337Ter (NM_001367248.1); short protein forms L327*, L326*, L337*.
Identifiers: ClinVar variation 98816 (VCV000098816.45), dbSNP rs62640594, ClinGen allele CA226468.

ClinVar aggregate classification (germline): Pathogenic. Review status: reviewed by expert panel (3 of 4 stars). 4 submissions from 4 submitters: Pathogenic (1). 3 of the submissions do not count toward it. Last evaluated 2025-09-07.

Conditions:
RPGR-related retinopathy. Also called: RPGR retinopathy. Identifiers: MedGen CN305589, MONDO:0100437.

Submissions (4):

ClinGen X-linked Inherited Retinal Disease Variant Curation Expert Panel, ClinGen
Classification: Pathogenic for RPGR-related retinopathy. Last evaluated: 2025-09-07. Review status: reviewed by expert panel. Criteria: ClinGen X LinkedIRD ACMG Specifications RPGR V1.0.0. Collection method: curation. Allele origin: germline. Inheritance: X-linked inheritance.
Comment: NM_001034853.2(RPGR):c.980T>G (p.Leu327Ter) is a nonsense variant introducing a premature stop in codon 327 within exon 9 of 15, which is predicted to trigger nonsense-mediated decay (PVS1). This variant is absent from gnomAD v4.1.0 (PM2_Supporting). This variant has been reported in at least 2 apparently unrelated probands meeting one of the PS4 requirements of a male with some functional vision impairment by age 30 years and/or decreased or absent electroretinogram responses, or a female with functional visual abnormality and documentation of a male relative affected with retinitis pigmentosa (PMIDs: 17325176, 32531858, PS4_Supporting). In summary, this variant is classified as pathogenic for RPGR-related retinopathy based on the ClinGen X-linked Inherited Retinal Disease Expert Panel Specifications to the ACMG/AMP Variant Interpretation Guidelines for RPGR Version 1.0.0; PVS1, PM2_Supporting, and PS4_Supporting.

PreventionGenetics, part of Exact Sciences
Classification: Likely pathogenic. Last evaluated: 2021-06-15. Review status: criteria provided, single submitter. Criteria: ACMG Guidelines, 2015. Collection method: clinical testing. Allele origin: germline. Not counted in ClinVar's aggregate classification.

CeGaT Center for Human Genetics Tuebingen
Classification: Pathogenic. Last evaluated: 2016-11-01. Review status: criteria provided, single submitter. Criteria: CeGaT Center For Human Genetics Tuebingen Variant Classification Criteria Version 2. Collection method: clinical testing. Allele origin: germline. Affected: yes. Observed: 1 variant allele. Not counted in ClinVar's aggregate classification.

Retina International
No classification provided. Review status: no classification provided. Collection method: not provided. Allele origin: not provided. Not counted in ClinVar's aggregate classification.